The following is an entry in ClinVar:

ClinVar aggregate classification (germline): Uncertain significance. Review status: criteria provided, multiple submitters, no conflicts (2 of 4 stars). 2 submissions from 2 submitters: Uncertain significance (2). Last evaluated 2023-12-13.

Conditions:
Hypertrophic cardiomyopathy. Also called: HYPERTROPHIC MYOCARDIOPATHY. Identifiers: Orphanet 217569, MedGen C0007194, MeSH D002312, MONDO:0005045, HP:0001639.

Allele frequency attached by ClinVar (database versions not stated): ExAC 0.00002.
gnomAD v4.1: 2 of 1,613,958 alleles (0.00012%); highest among the groups gnomAD compares: Non-Finnish European, 0.00017%; no homozygotes.

Submissions (2):

All of Us Research Program, National Institutes of Health
Classification: Uncertain significance for Hypertrophic cardiomyopathy. Last evaluated: 2023-12-13. Review status: criteria provided, single submitter. Criteria: ACMG Guidelines, 2015. Collection method: clinical testing. Allele origin: germline. Inheritance: Autosomal dominant inheritance. Observed: 1 variant allele, 1 heterozygote.
Comment: This missense variant replaces threonine with isoleucine at codon 658 of the MYBPC3 protein. Computational prediction is inconclusive regarding the impact of this variant on protein structure and function (internally defined REVEL score threshold 0.5 < inconclusive < 0.7, PMID: 27666373). To our knowledge, functional studies have not been reported for this variant. This variant has not been reported in individuals affected with MYBPC3-related disorders in the literature. This variant has been identified in 1/249214 chromosomes in the general population by the Genome Aggregation Database (gnomAD). The available evidence is insufficient to determine the role of this variant in disease conclusively. Therefore, this variant is classified as a Variant of Uncertain Significance.

This study involves interpretation of variants in research participants for the purpose of population health screening. Participant phenotype was not available at the time of variant classification. Additional details can be found in publication PMID: 35346344, PMCID: PMC8962531

Blueprint Genetics
Classification: Uncertain significance. Last evaluated: 2023-03-20. Review status: criteria provided, single submitter. Criteria: ACMG Guidelines, 2015. Collection method: clinical testing. Allele origin: germline.

NM_000256.3(MYBPC3):c.1973C>T (p.Thr658Ile)

Gene: MYBPC3 (myosin binding protein C3; minus strand). Cytogenetic location: 11p11.2.
Variant type: single nucleotide variant.
Coding change: c.1973C>T on transcript NM_000256.3 (MANE Select); coding-DNA position 1973, C replaced by T.
Protein change: p.Thr658Ile; replaces threonine 658 with isoleucine.
Molecular consequence: missense variant.
Genome position (GRCh38, 1-based): chr11:47,339,745, G>A on the plus strand (C>T on the coding strand, the complement: MYBPC3 is on the minus strand). VCF-style: chr11-47339745-G-A. GRCh37 (hg19) VCF-style: chr11-47361296-G-A.
Other names: short protein forms T658I.
Identifiers: ClinVar variation 3074726 (VCV003074726.2), dbSNP rs766213616, ClinGen allele CA078457.